The following is an entry in ClinVar:

NM_031454.2(SELENOO):c.1392C>T (p.Phe464=)

Gene: SELENOO (selenoprotein O; plus strand). Cytogenetic location: 22q13.33.
Variant type: single nucleotide variant.
Coding change: c.1392C>T on transcript NM_031454.2 (MANE Select); coding-DNA position 1392, C replaced by T.
Protein change: p.Phe464=; no amino-acid change (phenylalanine 464 retained).
Molecular consequence: synonymous variant.
Genome position (GRCh38, 1-based): chr22:50,215,757, C>T. VCF-style: chr22-50215757-C-T. GRCh37 (hg19) VCF-style: chr22-50654186-C-T.
Identifiers: ClinVar variation 3770446 (VCV003770446.13).

ClinVar aggregate classification (germline): Benign (1 of 4 stars; one submission).

gnomAD v4.1: 18,035 of 1,610,718 alleles (1.1%); highest among the groups gnomAD compares: Non-Finnish European, 1.2%; 139 homozygotes.

Submission:

CeGaT Center for Human Genetics Tuebingen
Classification: Benign. Last evaluated: 2025-01-01. Review status: criteria provided, single submitter. Criteria: CeGaT Center For Human Genetics Tuebingen Variant Classification Criteria Version 2. Collection method: clinical testing. Allele origin: germline. Affected: yes. Observed: 1 variant allele.
Comment: SELENOO: BP4, BP7, BS1, BS2